The following is an entry in ClinVar:

ClinVar aggregate classification (germline): Uncertain significance. Review status: criteria provided, multiple submitters, no conflicts (2 of 4 stars). 2 submissions from 2 submitters: Uncertain significance (2). Last evaluated 2024-10-31.

Conditions:
Generalized epilepsy with febrile seizures plus, type 7 (GEFSP7). Also called: GEFS+, TYPE 7. Identifiers: Orphanet 36387, MedGen C2751778, MONDO:0013470, OMIM 613863.
Neuropathy, hereditary sensory and autonomic, type 2A (HSAN2A). Also called: MORVAN DISEASE; WNK1-Related HSAN2 (HSAN2A); NEUROPATHY, CONGENITAL SENSORY; NEUROPATHY, HEREDITARY SENSORY RADICULAR, AUTOSOMAL RECESSIVE; NEUROPATHY, HEREDITARY SENSORY, TYPE IIA; NEUROPATHY, PROGRESSIVE SENSORY, OF CHILDREN. Identifiers: Orphanet 970, MedGen C2752089, MONDO:0024309, OMIM 201300.

Allele frequency attached by ClinVar (database versions not stated): gnomAD 0.00001; ExAC 0.00002; gnomAD exomes 0.00002.
gnomAD v4.1: 25 of 1,613,940 alleles (0.0015%); highest among the groups gnomAD compares: Middle Eastern, 0.016%; no homozygotes.

Submissions (2):

Labcorp Genetics (formerly Invitae), Labcorp
Classification: Uncertain significance for Neuropathy, hereditary sensory and autonomic, type 2A; Generalized epilepsy with febrile seizures plus, type 7. Last evaluated: 2024-10-31. Review status: criteria provided, single submitter. Criteria: Invitae Variant Classification Sherloc (09022015). Collection method: clinical testing. Allele origin: germline.
Comment: This sequence change replaces arginine, which is basic and polar, with histidine, which is basic and polar, at codon 634 of the SCN9A protein (p.Arg634His). This variant is present in population databases (rs774510851, gnomAD 0.006%). This variant has not been reported in the literature in individuals affected with SCN9A-related conditions. ClinVar contains an entry for this variant (Variation ID: 234800). Invitae Evidence Modeling of protein sequence and biophysical properties (such as structural, functional, and spatial information, amino acid conservation, physicochemical variation, residue mobility, and thermodynamic stability) indicates that this missense variant is not expected to disrupt SCN9A protein function with a negative predictive value of 95%. In summary, the available evidence is currently insufficient to determine the role of this variant in disease. Therefore, it has been classified as a Variant of Uncertain Significance.

GeneDx
Classification: Uncertain significance. Last evaluated: 2024-06-13. Review status: criteria provided, single submitter. Criteria: GeneDx Variant Classification Process June 2021. Collection method: clinical testing. Allele origin: germline. Affected: yes.
Comment: In silico analysis indicates that this missense variant does not alter protein structure/function; Has not been previously published as pathogenic or benign to our knowledge

NM_001365536.1(SCN9A):c.1901G>A (p.Arg634His)

Genes: SCN1A-AS1 (SCN1A and SCN9A antisense RNA 1; plus strand), SCN9A (sodium voltage-gated channel alpha subunit 9; minus strand). Cytogenetic location: 2q24.3.
Variant type: single nucleotide variant.
Coding change: c.1901G>A on transcript NM_001365536.1 (MANE Select); coding-DNA position 1901, G replaced by A.
Protein change: p.Arg634His; replaces arginine 634 with histidine.
Molecular consequence: missense variant.
Genome position (GRCh38, 1-based): chr2:166,284,526, C>T on the plus strand (G>A on the coding strand, the complement: SCN9A is on the minus strand). VCF-style: chr2-166284526-C-T. GRCh37 (hg19) VCF-style: chr2-167141036-C-T.
Other names: c.1901G>A, p.Arg634His (NM_002977.4); short protein forms R634H.
Identifiers: ClinVar variation 234800 (VCV000234800.11), dbSNP rs774510851, ClinGen allele CA1944406.